The following is an entry in ClinVar:

NM_020937.4(FANCM):c.164A>T (p.Asp55Val)

Gene: FANCM (FA complementation group M; plus strand). Cytogenetic location: 14q21.2.
Variant type: single nucleotide variant.
Coding change: c.164A>T on transcript NM_020937.4 (MANE Select); coding-DNA position 164, A replaced by T.
Protein change: p.Asp55Val; replaces aspartic acid 55 with valine.
Molecular consequence: missense variant.
Genome position (GRCh38, 1-based): chr14:45,136,195, A>T. VCF-style: chr14-45136195-A-T. GRCh37 (hg19) VCF-style: chr14-45605398-A-T.
Other names: c.164A>T, p.Asp55Val (NM_001308133.2, NM_001308134.2); short protein forms D55V.
Identifiers: ClinVar variation 1477991 (VCV001477991.7), dbSNP rs1255434449, ClinGen allele CA389587227.

ClinVar aggregate classification (germline): Uncertain significance. Review status: criteria provided, multiple submitters, no conflicts (2 of 4 stars). 2 submissions from 2 submitters: Uncertain significance (2). Last evaluated 2022-03-02.

Conditions:
Spermatogenic failure 28. Identifiers: MedGen C4748117, MONDO:0054732, OMIM 618086.
Premature ovarian failure 15. Identifiers: MedGen C4748170, MONDO:0054862, OMIM 618096.
Fanconi anemia (FA). Also called: Fanconi's anemia. Identifiers: Orphanet 84, MedGen C0015625, MeSH D005199, MONDO:0019391.

Allele frequency attached by ClinVar (database versions not stated): gnomAD exomes below 0.00001.

Submissions (2):

Fulgent Genetics
Classification: Uncertain significance for Spermatogenic failure 28; Premature ovarian failure 15. Last evaluated: 2022-03-02. Review status: criteria provided, single submitter. Criteria: ACMG Guidelines, 2015. Collection method: clinical testing. Allele origin: unknown.

Labcorp Genetics (formerly Invitae), Labcorp
Classification: Uncertain significance for Fanconi anemia. Last evaluated: 2021-09-03. Review status: criteria provided, single submitter. Criteria: Invitae Variant Classification Sherloc (09022015). Collection method: clinical testing. Allele origin: germline.
Comment: In summary, the available evidence is currently insufficient to determine the role of this variant in disease. Therefore, it has been classified as a Variant of Uncertain Significance. Algorithms developed to predict the effect of missense changes on protein structure and function are either unavailable or do not agree on the potential impact of this missense change (SIFT: "Deleterious"; PolyPhen-2: "Probably Damaging"; Align-GVGD: "Class C0"). This variant has not been reported in the literature in individuals affected with FANCM-related conditions. This variant is not present in population databases (ExAC no frequency). This sequence change replaces aspartic acid with valine at codon 55 of the FANCM protein (p.Asp55Val). The aspartic acid residue is weakly conserved and there is a large physicochemical difference between aspartic acid and valine.